The following is an entry in ClinVar:

NM_032043.3(BRIP1):c.2492+3A>T

Gene: BRIP1 (BRCA1 interacting DNA helicase 1; minus strand). Cytogenetic location: 17q23.2.
Variant type: single nucleotide variant.
Coding change: c.2492+3A>T on transcript NM_032043.3 (MANE Select); 3 bases into the intron after coding-DNA position 2492, A replaced by T.
Molecular consequence: intron variant.
Genome position (GRCh38, 1-based): chr17:61,715,948, T>A on the plus strand (A>T on the coding strand, the complement: BRIP1 is on the minus strand). VCF-style: chr17-61715948-T-A. GRCh37 (hg19) VCF-style: chr17-59793309-T-A.
Identifiers: ClinVar variation 1792085 (VCV001792085.6), dbSNP rs1555580758, ClinGen allele CA2580094455.

ClinVar aggregate classification (germline): Uncertain significance. Review status: criteria provided, multiple submitters, no conflicts (2 of 4 stars). 2 submissions from 2 submitters: Uncertain significance (2). Last evaluated 2025-11-17.

Conditions:
Familial cancer of breast. Also called: BREAST CANCER, FAMILIAL; hereditary breast carcinoma; Hereditary breast cancer. Identifiers: Orphanet 227535, MedGen C0346153, MONDO:0016419, OMIM 114480. Disease mechanism: loss of function.
Fanconi anemia complementation group J. Also called: BRIP1-Related Fanconi Anemia. Identifiers: Orphanet 84, MedGen C1836860, MONDO:0012187, OMIM 609054.
Hereditary cancer-predisposing syndrome. Also called: Neoplastic Syndromes, Hereditary; Tumor predisposition; Hereditary neoplastic syndrome; Hereditary Cancer Syndrome. Identifiers: Orphanet 140162, MedGen C0027672, MeSH D009386, MONDO:0015356.

Submissions (2):

Ambry Genetics
Classification: Uncertain significance for Hereditary cancer-predisposing syndrome. Last evaluated: 2025-11-17. Review status: criteria provided, single submitter. Criteria: Ambry Variant Classification Scheme 2023. Collection method: clinical testing. Allele origin: germline.
Comment: The c.2492+3A>T intronic variant results from an A to T substitution 3 nucleotides after coding exon 16 in the BRIP1 gene. This nucleotide position is well conserved in available vertebrate species. In silico splice site analysis predicts that this alteration will weaken the native splice donor site; however, direct evidence is insufficient at this time (Ambry internal data). Since supporting evidence is limited at this time, the clinical significance of this alteration remains unclear.

Labcorp Genetics (formerly Invitae), Labcorp
Classification: Uncertain significance for Familial cancer of breast; Fanconi anemia complementation group J. Last evaluated: 2023-04-28. Review status: criteria provided, single submitter. Criteria: Invitae Variant Classification Sherloc (09022015). Collection method: clinical testing. Allele origin: germline.
Comment: This sequence change falls in intron 17 of the BRIP1 gene. It does not directly change the encoded amino acid sequence of the BRIP1 protein. It affects a nucleotide within the consensus splice site. This variant is not present in population databases (gnomAD no frequency). This variant has not been reported in the literature in individuals affected with BRIP1-related conditions. ClinVar contains an entry for this variant (Variation ID: 1792085). Variants that disrupt the consensus splice site are a relatively common cause of aberrant splicing (PMID: 17576681, 9536098). Algorithms developed to predict the effect of sequence changes on RNA splicing suggest that this variant may disrupt the consensus splice site. In summary, the available evidence is currently insufficient to determine the role of this variant in disease. Therefore, it has been classified as a Variant of Uncertain Significance.

Literature cited by the submitters: PubMed 17576681 (cited by Labcorp Genetics (formerly Invitae), Labcorp); PubMed 9536098 (cited by Labcorp Genetics (formerly Invitae), Labcorp).